The following is an entry in ClinVar:

ClinVar aggregate classification (germline): Uncertain significance (1 of 4 stars; one submission).

Submission:

Ambry Genetics
Classification: Uncertain significance. Last evaluated: 2024-03-21. Review status: criteria provided, single submitter. Criteria: Ambry Variant Classification Scheme 2023. Collection method: clinical testing. Allele origin: germline.
Comment: The p.D461V variant (also known as c.1382A>T), located in coding exon 14 of the RASA2 gene, results from an A to T substitution at nucleotide position 1382. The aspartic acid at codon 461 is replaced by valine, an amino acid with highly dissimilar properties. This amino acid position is conserved. In addition, the in silico prediction for this alteration is inconclusive. Based on the available evidence, the clinical significance of this alteration remains unclear.

NM_006506.5(RASA2):c.1382A>T (p.Asp461Val)

Gene: RASA2 (RAS p21 protein activator 2; plus strand). Cytogenetic location: 3q23.
Variant type: single nucleotide variant.
Coding change: c.1382A>T on transcript NM_006506.5 (MANE Select); coding-DNA position 1382, A replaced by T.
Protein change: p.Asp461Val; replaces aspartic acid 461 with valine.
Molecular consequence: missense variant.
Genome position (GRCh38, 1-based): chr3:141,573,966, A>T. VCF-style: chr3-141573966-A-T. GRCh37 (hg19) VCF-style: chr3-141292808-A-T.
Other names: c.1382A>T, p.Asp461Val (NM_001303245.3, NM_001303246.3); short protein forms D461V.
Identifiers: ClinVar variation 3312835 (VCV003312835.1).